The following is an entry in ClinVar:

NM_033395.2(CEP295):c.7786C>T (p.Arg2596Ter)

Genes: CEP295 (centrosomal protein 295; plus strand), TAF1D (TATA-box binding protein associated factor, RNA polymerase I subunit D; minus strand). Cytogenetic location: 11q21.
Variant type: single nucleotide variant.
Coding change: c.7786C>T on transcript NM_033395.2 (MANE Select); coding-DNA position 7786, C replaced by T.
Protein change: p.Arg2596Ter; replaces arginine 2596 with a stop codon.
Molecular consequence: nonsense. On other transcripts: non-coding transcript variant (2).
Genome position (GRCh38, 1-based): chr11:93,730,249, C>T. VCF-style: chr11-93730249-C-T. GRCh37 (hg19) VCF-style: chr11-93463415-C-T.
Other names: short protein forms R2596*.
Identifiers: ClinVar variation 4981338 (VCV004981338.1).

ClinVar aggregate classification (germline): Uncertain significance (1 of 4 stars; one submission).

Conditions:
CEP295-related condition.

Submission:

PreventionGenetics, part of Exact Sciences
Classification: Uncertain significance for CEP295-related condition. Last evaluated: 2025-11-22. Review status: criteria provided, single submitter. Criteria: ACMG Guidelines, 2015. Collection method: clinical testing. Allele origin: germline.
Comment: The CEP295 c.7786C>T variant is predicted to result in premature protein termination (p.Arg2596*). To our knowledge, this variant has not been reported in the literature. This variant is reported in 0.018% of alleles in individuals of South Asian descent in gnomAD. Although we suspect that this variant may be pathogenic, at this time, the clinical significance of this variant is uncertain due to the absence of conclusive functional and genetic evidence.